The following is an entry in ClinVar:

NM_173543.3(DZIP1L):c.2002G>T (p.Gly668Ter)

Gene: DZIP1L (DAZ interacting zinc finger protein 1 like; minus strand). Cytogenetic location: 3q22.3.
Variant type: single nucleotide variant.
Coding change: c.2002G>T on transcript NM_173543.3 (MANE Select); coding-DNA position 2002, G replaced by T.
Protein change: p.Gly668Ter; replaces glycine 668 with a stop codon.
Molecular consequence: nonsense.
Genome position (GRCh38, 1-based): chr3:138,067,531, C>A on the plus strand (G>T on the coding strand, the complement: DZIP1L is on the minus strand). VCF-style: chr3-138067531-C-A. GRCh37 (hg19) VCF-style: chr3-137786373-C-A.
Other names: short protein forms G668*.
Identifiers: ClinVar variation 1958560 (VCV001958560.5), dbSNP rs768478437, ClinGen allele CA2634711.

ClinVar aggregate classification (germline): Pathogenic (1 of 4 stars; one submission).

Allele frequency attached by ClinVar (database versions not stated): ExAC 0.00001.
gnomAD v4.1: 2 of 1,598,892 alleles (0.00013%); highest among the groups gnomAD compares: Non-Finnish European, 0.00017%; no homozygotes.

Submission:

Labcorp Genetics (formerly Invitae), Labcorp
Classification: Pathogenic. Last evaluated: 2023-10-04. Review status: criteria provided, single submitter. Criteria: Invitae Variant Classification Sherloc (09022015). Collection method: clinical testing. Allele origin: germline.
Comment: This sequence change creates a premature translational stop signal (p.Gly668*) in the DZIP1L gene. It is expected to result in an absent or disrupted protein product. Loss-of-function variants in DZIP1L are known to be pathogenic (PMID: 28530676). The frequency data for this variant in the population databases is considered unreliable, as metrics indicate poor data quality at this position in the gnomAD database. This variant has not been reported in the literature in individuals affected with DZIP1L-related conditions. ClinVar contains an entry for this variant (Variation ID: 1958560). Algorithms developed to predict the effect of sequence changes on RNA splicing suggest that this variant may disrupt the consensus splice site. For these reasons, this variant has been classified as Pathogenic.

Literature cited by the submitters: PubMed 28530676.